The following is an entry in ClinVar:

NM_001278116.2(L1CAM):c.436G>A (p.Val146Met)

Gene: L1CAM (L1 cell adhesion molecule; minus strand). Cytogenetic location: Xq28.
Variant type: single nucleotide variant.
Coding change: c.436G>A on transcript NM_001278116.2 (MANE Select); coding-DNA position 436, G replaced by A.
Protein change: p.Val146Met; replaces valine 146 with methionine.
Molecular consequence: missense variant.
Genome position (GRCh38, 1-based): chrX:153,871,144, C>T on the plus strand (G>A on the coding strand, the complement: L1CAM is on the minus strand). VCF-style: chrX-153871144-C-T. GRCh37 (hg19) VCF-style: chrX-153136599-C-T.
Other names: c.436G>A, p.Val146Met (NM_000425.5, NM_024003.3); c.421G>A, p.Val141Met (NM_001143963.2); c.436G>A (NM_000425.4); short protein forms V141M, V146M.
Identifiers: ClinVar variation 1600037 (VCV001600037.10), dbSNP rs199796566, ClinGen allele CA10554587.
Genomic context (GRCh38, chrX:153,871,144, plus strand): 5'-GCTCTGCACTTGGGGGAGGGTTGCAAGGCAGAACCACTGACTCCCCTTCCTCCACCTCCA[C>T]GGGCTTCACTGTCTCCTTTGGCCACTTGGGGGCACCTAGAAGGGACAGACGGGCTGACAC-3'
Protein context (NP_001265045.1, residues 136-156): PKWPKETVKP[Val146Met]EVEEGESVVL

ClinVar aggregate classification (germline): Conflicting classifications of pathogenicity. Review status: criteria provided, conflicting classifications (1 of 4 stars). 3 submissions from 3 submitters: Uncertain significance (2); Benign (1). Last evaluated 2025-12-19.

Conditions:
Spastic paraplegia. Identifiers: MedGen C0037772, HP:0001258.
L1CAM-related disorder. Also called: L1CAM-related condition.

Allele frequency attached by ClinVar (database versions not stated): ExAC 0.00001; TOPMed 0.00002; gnomAD exomes 0.00003; gnomAD 0.00005 and 0.00007; 1000 Genomes Project 30x 0.00021; 1000 Genomes Project 0.00026.
gnomAD v4.1: 24 of 1,202,602 alleles (0.002%); highest among the groups gnomAD compares: East Asian, 0.006%; no homozygotes.

Submissions (3):

Labcorp Genetics (formerly Invitae), Labcorp
Classification: Benign for Spastic paraplegia. Last evaluated: 2025-12-19. Review status: criteria provided, single submitter. Criteria: Invitae Variant Classification Sherloc (09022015). Collection method: clinical testing. Allele origin: germline.

PreventionGenetics, part of Exact Sciences
Classification: Uncertain significance for L1CAM-related condition. Last evaluated: 2023-06-26. Review status: criteria provided, single submitter. Criteria: ACMG Guidelines, 2015. Collection method: clinical testing. Allele origin: germline.
Comment: The L1CAM c.436G>A variant is predicted to result in the amino acid substitution p.Val146Met. This variant was reported in a patient with hereditary spastic paraplegia (HSP); however, this individual also harbored a de novo pathogenic variant in the HSP-causative gene REEP1 (Roda et al. 2017. PubMed ID: 28491902). This variant is reported in 0.016% of alleles in individuals of European (Finnish) descent in gnomAD, including 2 hemizygotes. Although we suspect that this variant may be benign, at this time, the clinical significance of this variant is uncertain due to the absence of conclusive functional and genetic evidence.

Blueprint Genetics
Classification: Uncertain significance. Last evaluated: 2020-06-29. Review status: criteria provided, single submitter. Criteria: ACMG Guidelines, 2015. Collection method: clinical testing. Allele origin: germline.